The following is an entry in ClinVar:

ClinVar aggregate classification (germline): Uncertain significance (1 of 4 stars; one submission).

Submission:

GeneDx
Classification: Uncertain significance. Last evaluated: 2024-06-03. Review status: criteria provided, single submitter. Criteria: GeneDx Variant Classification Process June 2021. Collection method: clinical testing. Allele origin: germline. Affected: yes.
Comment: Not observed at significant frequency in large population cohorts (gnomAD); In-frame duplication of 1 amino acid in a non-repeat region; Has not been previously published as pathogenic or benign to our knowledge

NM_000216.4(ANOS1):c.1013_1015dup (p.Ser338_Lys339insSer)

Gene: ANOS1 (anosmin 1; minus strand). Cytogenetic location: Xp22.31.
Variant type: Duplication.
Coding change: c.1013_1015dup on transcript NM_000216.4 (MANE Select); coding-DNA positions 1013 to 1015, 3 bases duplicated (GTA; older notation c.1013_1015dupGTA).
Protein change: p.Ser338_Lys339insSer.
Genome position (GRCh38, 1-based): chrX:8,570,546-8,570,548, TAC duplicated on the plus strand (GTA on the coding strand, the reverse complement: ANOS1 is on the minus strand); duplicating any 3 consecutive bases within chrX:8,570,546-8,570,549 gives the same sequence; the c. name uses the placement nearest the transcript's 3' end. VCF-style (leftmost placement, unchanged base first): chrX-8570545-T-TTAC. GRCh37 (hg19) VCF-style: chrX-8538586-T-TTAC.
Identifiers: ClinVar variation 3384615 (VCV003384615.1).